The following is an entry in ClinVar:

ClinVar aggregate classification (germline): Uncertain significance. Review status: criteria provided, multiple submitters, no conflicts (2 of 4 stars). 2 submissions from 2 submitters: Uncertain significance (2). Last evaluated 2026-06-09.

Conditions:
Hereditary cancer-predisposing syndrome. Also called: Neoplastic Syndromes, Hereditary; Tumor predisposition; Hereditary Cancer Syndrome; Hereditary neoplastic syndrome. Identifiers: Orphanet 140162, MedGen C0027672, MeSH D009386, MONDO:0015356.

Submissions (2):

Ambry Genetics
Classification: Uncertain significance for Hereditary cancer-predisposing syndrome. Last evaluated: 2026-06-09. Review status: criteria provided, single submitter. Criteria: Ambry Variant Classification Scheme 2023. Collection method: clinical testing. Allele origin: germline.
Comment: The p.Q2376R variant (also known as c.7127A>G), located in coding exon 15 of the APC gene, results from an A to G substitution at nucleotide position 7127. The glutamine at codon 2376 is replaced by arginine, an amino acid with highly similar properties. This amino acid position is conserved. In addition, in silico predictors for this gene do not accurately predict pathogenicity. Based on the available evidence, the clinical significance of this variant remains unclear.

Color Diagnostics, LLC DBA Color Health
Classification: Uncertain significance for Hereditary cancer-predisposing syndrome. Last evaluated: 2024-03-06. Review status: criteria provided, single submitter. Criteria: ACMG Guidelines, 2015. Collection method: clinical testing. Allele origin: germline.
Comment: This missense variant replaces glutamine with arginine at codon 2376 of the APC protein. Computational prediction suggests that this variant may not impact protein structure and function (internally defined REVEL score threshold <= 0.5, PMID: 27666373). To our knowledge, functional studies have not been reported for this variant. This variant has not been reported in individuals affected with hereditary cancer in the literature. This variant has not been identified in the general population by the Genome Aggregation Database (gnomAD). The available evidence is insufficient to determine the role of this variant in disease conclusively. Therefore, this variant is classified as a Variant of Uncertain Significance.

NM_000038.6(APC):c.7127A>G (p.Gln2376Arg)

Gene: APC (APC regulator of Wnt signaling pathway; plus strand). Cytogenetic location: 5q22.2.
Variant type: single nucleotide variant.
Coding change: c.7127A>G on transcript NM_000038.6 (MANE Select); coding-DNA position 7127, A replaced by G.
Protein change: p.Gln2376Arg; replaces glutamine 2376 with arginine.
Molecular consequence: missense variant.
Genome position (GRCh38, 1-based): chr5:112,842,721, A>G. VCF-style: chr5-112842721-A-G. GRCh37 (hg19) VCF-style: chr5-112178418-A-G.
Other names: c.7181A>G, p.Gln2394Arg (NM_001354896.2); c.7157A>G, p.Gln2386Arg (NM_001354897.2); c.7052A>G, p.Gln2351Arg (NM_001354898.2); c.7043A>G, p.Gln2348Arg (NM_001354899.2); c.7004A>G, p.Gln2335Arg (NM_001354900.2); c.6950A>G, p.Gln2317Arg (NM_001354901.2); c.6854A>G, p.Gln2285Arg (NM_001354902.2); c.6824A>G, p.Gln2275Arg (NM_001354903.2); and 5 more; short protein forms Q2093R, Q2216R, Q2250R, Q2275R, Q2285R, Q2317R, Q2335R, Q2348R.
Identifiers: ClinVar variation 1171361 (VCV001171361.4), dbSNP rs2149980599, ClinGen allele CA16036855.
Genomic context (GRCh38, chr5:112,842,721, plus strand): 5'-CTAAGTCCTCAGGTTCTGGAAAAATGTCATATACATCTCCAGGTAGACAGATGAGCCAAC[A>G]GAACCTTACCAAACAAACAGGTTTATCCAAGAATGCCAGTAGTATTCCAAGAAGTGAGTC-3'
Protein context (NP_000029.2, residues 2366-2386): YTSPGRQMSQ[Gln2376Arg]NLTKQTGLSK